The following is an entry in ClinVar:

ClinVar aggregate classification (germline): Uncertain significance. Review status: criteria provided, multiple submitters, no conflicts (2 of 4 stars). 2 submissions from 2 submitters: Uncertain significance (2). Last evaluated 2024-03-06.

Conditions:
Meckel syndrome, type 8. Identifiers: Orphanet 564, MedGen C3836857, MONDO:0013482, OMIM 613885.
Joubert syndrome 24 (JBTS24). Identifiers: Orphanet 475, MedGen C4084841, MONDO:0014724, OMIM 616654.
Joubert syndrome. Also called: CEREBELLOPARENCHYMAL DISORDER IV; JOUBERT-BOLTSHAUSER SYNDROME; Familial aplasia of the vermis. Identifiers: Orphanet 475, MedGen C5979921, MONDO:0018772.
Meckel-Gruber syndrome. Also called: DYSENCEPHALIA SPLANCHNOCYSTICA; GRUBER SYNDROME; Dysencephalia splachnocystica. Identifiers: Orphanet 564, MedGen C0265215, MONDO:0018921.

Allele frequency attached by ClinVar (database versions not stated): ExAC 0.00001; gnomAD 0.00001; TOPMed 0.00001; gnomAD exomes 0.00004.
gnomAD v4.1: 63 of 1,613,090 alleles (0.0039%); highest among the groups gnomAD compares: Non-Finnish European, 0.0051%; no homozygotes.

Submissions (2):

Fulgent Genetics
Classification: Uncertain significance for Meckel syndrome, type 8; Joubert syndrome 24. Last evaluated: 2024-03-06. Review status: criteria provided, single submitter. Criteria: ACMG Guidelines, 2015. Collection method: clinical testing. Allele origin: germline.

Labcorp Genetics (formerly Invitae), Labcorp
Classification: Uncertain significance for Joubert syndrome; Meckel-Gruber syndrome. Last evaluated: 2022-07-09. Review status: criteria provided, single submitter. Criteria: Invitae Variant Classification Sherloc (09022015). Collection method: clinical testing. Allele origin: germline.
Comment: This sequence change replaces valine, which is neutral and non-polar, with leucine, which is neutral and non-polar, at codon 379 of the TCTN2 protein (p.Val379Leu). This variant is present in population databases (rs779079765, gnomAD 0.002%). This variant has not been reported in the literature in individuals affected with TCTN2-related conditions. Algorithms developed to predict the effect of missense changes on protein structure and function (SIFT, PolyPhen-2, Align-GVGD) all suggest that this variant is likely to be disruptive. In summary, the available evidence is currently insufficient to determine the role of this variant in disease. Therefore, it has been classified as a Variant of Uncertain Significance.

NM_024809.5(TCTN2):c.1135G>T (p.Val379Leu)

Gene: TCTN2 (tectonic family member 2; plus strand). Cytogenetic location: 12q24.31.
Variant type: single nucleotide variant.
Coding change: c.1135G>T on transcript NM_024809.5 (MANE Select); coding-DNA position 1135, G replaced by T.
Protein change: p.Val379Leu; replaces valine 379 with leucine.
Molecular consequence: missense variant.
Genome position (GRCh38, 1-based): chr12:123,694,877, G>T. VCF-style: chr12-123694877-G-T. GRCh37 (hg19) VCF-style: chr12-124179424-G-T.
Other names: c.1132G>T, p.Val378Leu (NM_001143850.3); short protein forms V379L, V378L.
Identifiers: ClinVar variation 1977335 (VCV001977335.3), dbSNP rs779079765, ClinGen allele CA6861121.
Genomic context (GRCh38, chr12:123,694,877, plus strand): 5'-TATGAACATATTCTTGTATTTGCAGAAACTCCTTTAAATAACGGATCAACCCCTAGAATT[G>T]TGAATGTGGAAGAACATTATATTTTCAAATGGAATAATAATACCATCAGTGAAATAAATG-3'
Protein context (NP_079085.2, residues 369-389): PLNNGSTPRI[Val379Leu]NVEEHYIFKW